The following is an entry in ClinVar:

NM_000545.8(HNF1A):c.467C>A (p.Thr156Lys)

Gene: HNF1A (HNF1 homeobox A; plus strand). Cytogenetic location: 12q24.31.
Variant type: single nucleotide variant.
Coding change: c.467C>A on transcript NM_000545.8 (MANE Select); coding-DNA position 467, C replaced by A.
Protein change: p.Thr156Lys; replaces threonine 156 with lysine.
Molecular consequence: missense variant.
Genome position (GRCh38, 1-based): chr12:120,988,973, C>A. VCF-style: chr12-120988973-C-A. GRCh37 (hg19) VCF-style: chr12-121426776-C-A.
Other names: c.467C>A, p.Thr156Lys (NM_001306179.2); short protein forms T156K.
Identifiers: ClinVar variation 1692989 (VCV001692989.4), dbSNP rs150513055, ClinGen allele CA6831755.

ClinVar aggregate classification (germline): Conflicting classifications of pathogenicity. Review status: criteria provided, conflicting classifications (1 of 4 stars). 2 submissions from 2 submitters: Likely pathogenic (1); Uncertain significance (1). Last evaluated 2025-07-01.

Conditions:
Maturity-onset diabetes of the young type 3. Also called: MODY type 3; MODY, type III. Identifiers: Orphanet 552, MedGen C1838100, MeSH C563933, MONDO:0010894, OMIM 600496. Disease mechanism: loss of function.

gnomAD v4.1: 8 of 1,614,108 alleles (0.0005%); highest among the groups gnomAD compares: Admixed American, 0.0017%; no homozygotes.

Submissions (2):

Labcorp Genetics (formerly Invitae), Labcorp
Classification: Uncertain significance. Last evaluated: 2025-07-01. Review status: criteria provided, single submitter. Criteria: Invitae Variant Classification Sherloc (09022015). Collection method: clinical testing. Allele origin: germline.
Comment: This sequence change replaces threonine, which is neutral and polar, with lysine, which is basic and polar, at codon 156 of the HNF1A protein (p.Thr156Lys). This variant is present in population databases (rs150513055, gnomAD 0.002%). This missense change has been observed in individual(s) with clinical features of HNF1A-related conditions (internal data). ClinVar contains an entry for this variant (Variation ID: 1692989). Invitae Evidence Modeling of protein sequence and biophysical properties (such as structural, functional, and spatial information, amino acid conservation, physicochemical variation, residue mobility, and thermodynamic stability) indicates that this missense variant is not expected to disrupt HNF1A protein function with a negative predictive value of 80%. This variant disrupts the p.Thr156 amino acid residue in HNF1A. Other variant(s) that disrupt this residue have been observed in individuals with HNF1A-related conditions (PMID: 33324081), which suggests that this may be a clinically significant amino acid residue. In summary, the available evidence is currently insufficient to determine the role of this variant in disease. Therefore, it has been classified as a Variant of Uncertain Significance.

Laan Lab, Human Genetics Research Group, University of Tartu
Classification: Likely pathogenic for Maturity-onset diabetes of the young type 3. Last evaluated: 2021-05-01. Review status: criteria provided, single submitter. Criteria: ACMG Guidelines, 2015. Collection method: research. Allele origin: unknown. Observed: 1 variant allele, 1 heterozygote.

Literature cited by the submitters: PubMed 33324081 (cited by Labcorp Genetics (formerly Invitae), Labcorp); PubMed 35535697 (cited by Laan Lab, Human Genetics Research Group, University of Tartu).